The following is an entry in ClinVar:

ClinVar aggregate classification (germline): Uncertain significance. Review status: criteria provided, multiple submitters, no conflicts (2 of 4 stars). 2 submissions from 2 submitters: Uncertain significance (2). Last evaluated 2022-06-26.

Conditions:
Cerebral cavernous malformation (CCM). Also called: CAVERNOUS ANGIOMA, FAMILIAL; CAVERNOUS ANGIOMATOUS MALFORMATIONS; CEREBRAL CAPILLARY MALFORMATIONS; Cerebral cavernous malformations; Cavernous Hemangioma of Brain; Cerebral cavernous hemangioma (type). Identifiers: Orphanet 221061, MedGen C2919945, MONDO:0000820, OMIM 116860, HP:0033522.

Submissions (2):

Labcorp Genetics (formerly Invitae), Labcorp
Classification: Uncertain significance for Cerebral cavernous malformation. Last evaluated: 2022-06-26. Review status: criteria provided, single submitter. Criteria: Invitae Variant Classification Sherloc (09022015). Collection method: clinical testing. Allele origin: germline.
Comment: In summary, the available evidence is currently insufficient to determine the role of this variant in disease. Therefore, it has been classified as a Variant of Uncertain Significance. Algorithms developed to predict the effect of sequence changes on RNA splicing suggest that this variant may disrupt the consensus splice site. Algorithms developed to predict the effect of missense changes on protein structure and function are either unavailable or do not agree on the potential impact of this missense change (SIFT: "Deleterious"; PolyPhen-2: "Possibly Damaging"; Align-GVGD: "Class C15"). ClinVar contains an entry for this variant (Variation ID: 570129). This variant has not been reported in the literature in individuals affected with KRIT1-related conditions. This variant is not present in population databases (gnomAD no frequency). This sequence change replaces aspartic acid, which is acidic and polar, with glycine, which is neutral and non-polar, at codon 161 of the KRIT1 protein (p.Asp161Gly).

GeneDx
Classification: Uncertain significance. Last evaluated: 2021-08-26. Review status: criteria provided, single submitter. Criteria: GeneDx Variant Classification Process June 2021. Collection method: clinical testing. Allele origin: germline. Affected: yes.
Comment: Not observed in large population cohorts (Lek et al., 2016); In silico analysis supports that this missense variant has a deleterious effect on protein structure/function; Splice predictors and evolutionary conservation suggest this variant may impact gene splicing. In the absence of RNA/functional studies, the actual effect of this sequence change is unknown; Has not been previously published as pathogenic or benign to our knowledge

NM_194454.3(KRIT1):c.482A>G (p.Asp161Gly)

Gene: KRIT1 (KRIT1 ankyrin repeat containing; minus strand). Cytogenetic location: 7q21.2.
Variant type: single nucleotide variant.
Coding change: c.482A>G on transcript NM_194454.3 (MANE Select); coding-DNA position 482, A replaced by G.
Protein change: p.Asp161Gly; replaces aspartic acid 161 with glycine.
Molecular consequence: missense variant. On other transcripts: 5 prime UTR variant (1).
Genome position (GRCh38, 1-based): chr7:92,236,416, T>C on the plus strand (A>G on the coding strand, the complement: KRIT1 is on the minus strand). VCF-style: chr7-92236416-T-C. GRCh37 (hg19) VCF-style: chr7-91865730-T-C.
Other names: c.482A>G, p.Asp161Gly (NM_001013406.2, NM_001350669.1, NM_001350670.1 and 29 more transcripts); c.-102A>G (NM_001350671.1); short protein forms D161G.
Identifiers: ClinVar variation 570129 (VCV000570129.12), dbSNP rs1563309238, ClinGen allele CA368161863.